The following is an entry in ClinVar:

NM_001291303.3(FAT4):c.11462G>A (p.Arg3821Gln)

Gene: FAT4 (FAT atypical cadherin 4; plus strand). Cytogenetic location: 4q28.1.
Variant type: single nucleotide variant.
Coding change: c.11462G>A on transcript NM_001291303.3 (MANE Select); coding-DNA position 11462, G replaced by A.
Protein change: p.Arg3821Gln; replaces arginine 3821 with glutamine.
Molecular consequence: missense variant.
Genome position (GRCh38, 1-based): chr4:125,452,472, G>A. VCF-style: chr4-125452472-G-A. GRCh37 (hg19) VCF-style: chr4-126373627-G-A.
Other names: c.11462G>A, p.Arg3821Gln (NM_001291285.3); c.11456G>A, p.Arg3819Gln (NM_024582.6); c.11456G>A (NM_024582.4, NM_024582.5); short protein forms R3821Q, R3819Q.
Identifiers: ClinVar variation 1518290 (VCV001518290.6), dbSNP rs142857910, ClinGen allele CA3073853.

ClinVar aggregate classification (germline): Uncertain significance. Review status: criteria provided, multiple submitters, no conflicts (2 of 4 stars). 3 submissions from 3 submitters: Uncertain significance (3). Last evaluated 2024-06-17.

Conditions:
Hennekam lymphangiectasia-lymphedema syndrome 2 (HKLLS2). Identifiers: Orphanet 2136, MedGen C4014939, MONDO:0014454, OMIM 616006.
Van Maldergem syndrome 2 (VMLDS2). Identifiers: Orphanet 314679, MedGen C3809875, MONDO:0014242, OMIM 615546.
Inborn genetic diseases. Identifiers: MedGen C0950123, MeSH D030342.

Allele frequency attached by ClinVar (database versions not stated): gnomAD exomes 0.00004; ExAC 0.00007; gnomAD 0.00007; ESP Exome Variant Server 0.00008; TOPMed 0.00012; 1000 Genomes Project 30x 0.00016; 1000 Genomes Project 0.00020.
gnomAD v4.1: 33 of 1,613,984 alleles (0.002%); highest among the groups gnomAD compares: African/African-American, 0.023%; no homozygotes.

Submissions (3):

Ambry Genetics
Classification: Uncertain significance for Inborn genetic diseases. Last evaluated: 2024-06-17. Review status: criteria provided, single submitter. Criteria: Ambry Variant Classification Scheme 2023. Collection method: clinical testing. Allele origin: germline.

Fulgent Genetics
Classification: Uncertain significance for Van Maldergem syndrome 2; Hennekam lymphangiectasia-lymphedema syndrome 2. Last evaluated: 2024-06-14. Review status: criteria provided, single submitter. Criteria: ACMG Guidelines, 2015. Collection method: clinical testing. Allele origin: germline.

Labcorp Genetics (formerly Invitae), Labcorp
Classification: Uncertain significance. Last evaluated: 2024-01-29. Review status: criteria provided, single submitter. Criteria: Invitae Variant Classification Sherloc (09022015). Collection method: clinical testing. Allele origin: germline.
Comment: This sequence change replaces arginine, which is basic and polar, with glutamine, which is neutral and polar, at codon 3819 of the FAT4 protein (p.Arg3819Gln). This variant is present in population databases (rs142857910, gnomAD 0.02%). This variant has not been reported in the literature in individuals affected with FAT4-related conditions. ClinVar contains an entry for this variant (Variation ID: 1518290). Advanced modeling of protein sequence and biophysical properties (such as structural, functional, and spatial information, amino acid conservation, physicochemical variation, residue mobility, and thermodynamic stability) performed at Invitae indicates that this missense variant is not expected to disrupt FAT4 protein function with a negative predictive value of 95%. In summary, the available evidence is currently insufficient to determine the role of this variant in disease. Therefore, it has been classified as a Variant of Uncertain Significance.